The following is an entry in ClinVar:

NM_000944.5(PPP3CA):c.13A>G (p.Lys5Glu)

Gene: PPP3CA (protein phosphatase 3 catalytic subunit alpha; minus strand). Cytogenetic location: 4q24.
Variant type: single nucleotide variant.
Coding change: c.13A>G on transcript NM_000944.5 (MANE Select); coding-DNA position 13, A replaced by G.
Protein change: p.Lys5Glu; replaces lysine 5 with glutamic acid.
Molecular consequence: missense variant.
Genome position (GRCh38, 1-based): chr4:101,346,784, T>C on the plus strand (A>G on the coding strand, the complement: PPP3CA is on the minus strand). VCF-style: chr4-101346784-T-C. GRCh37 (hg19) VCF-style: chr4-102267941-T-C.
Other names: c.13A>G, p.Lys5Glu (NM_001130691.2, NM_001130692.2); short protein forms K5E.
Identifiers: ClinVar variation 3713500 (VCV003713500.2).
Genomic context (GRCh38, chr4:101,346,784, plus strand): 5'-CGGCGCTCCGCTTACCTTTCACCACCCTGTCGGTCGTCGACAACTTGGGATCAATTGCCT[T>C]GGGCTCGGACATCTCCAGCTGCCGGAGGACAGCGACGCGCTGCTCGTCCGTCCGACTGCA-3'
Protein context (NP_000935.1, residues 1-15): MSEP[Lys5Glu]AIDPKLSTTD

ClinVar aggregate classification (germline): Uncertain significance (1 of 4 stars; one submission).

Submission:

Labcorp Genetics (formerly Invitae), Labcorp
Classification: Uncertain significance. Last evaluated: 2024-12-22. Review status: criteria provided, single submitter. Criteria: Invitae Variant Classification Sherloc (09022015). Collection method: clinical testing. Allele origin: germline.
Comment: This sequence change replaces lysine, which is basic and polar, with glutamic acid, which is acidic and polar, at codon 5 of the PPP3CA protein (p.Lys5Glu). This variant is not present in population databases (gnomAD no frequency). This variant has not been reported in the literature in individuals affected with PPP3CA-related conditions. An algorithm developed to predict the effect of missense changes on protein structure and function (PolyPhen-2) suggests that this variant is likely to be disruptive. In summary, the available evidence is currently insufficient to determine the role of this variant in disease. Therefore, it has been classified as a Variant of Uncertain Significance.